The following is an entry in ClinVar:

ClinVar aggregate classification (germline): Uncertain significance. Review status: criteria provided, multiple submitters, no conflicts (2 of 4 stars). 2 submissions from 2 submitters: Uncertain significance (2). Last evaluated 2025-01-31.

Conditions:
TTC8-related disorder. Also called: TTC8-related condition.
Bardet-Biedl syndrome (BBS). Identifiers: Orphanet 110, MedGen C0752166, MONDO:0015229.

gnomAD v4.1: 1 of 1,614,108 alleles (0.000062%); highest among the groups gnomAD compares: Non-Finnish European, 0.000085%; no homozygotes.

Submissions (2):

PreventionGenetics, part of Exact Sciences
Classification: Uncertain significance for TTC8-related condition. Last evaluated: 2025-01-31. Review status: criteria provided, single submitter. Criteria: ACMG Guidelines, 2015. Collection method: clinical testing. Allele origin: germline.
Comment: The TTC8 c.287T>C variant is predicted to result in the amino acid substitution p.Leu96Pro. To our knowledge, this variant has not been reported in the literature or in a large population database (gnomAD), indicating this variant is rare. At this time, the clinical significance of this variant is uncertain due to the absence of conclusive functional and genetic evidence.

Labcorp Genetics (formerly Invitae), Labcorp
Classification: Uncertain significance for Bardet-Biedl syndrome. Last evaluated: 2024-12-03. Review status: criteria provided, single submitter. Criteria: Invitae Variant Classification Sherloc (09022015). Collection method: clinical testing. Allele origin: germline.
Comment: This sequence change replaces leucine, which is neutral and non-polar, with proline, which is neutral and non-polar, at codon 86 of the TTC8 protein (p.Leu86Pro). This variant is not present in population databases (gnomAD no frequency). This variant has not been reported in the literature in individuals affected with TTC8-related conditions. Invitae Evidence Modeling of protein sequence and biophysical properties (such as structural, functional, and spatial information, amino acid conservation, physicochemical variation, residue mobility, and thermodynamic stability) indicates that this missense variant is not expected to disrupt TTC8 protein function with a negative predictive value of 80%. In summary, the available evidence is currently insufficient to determine the role of this variant in disease. Therefore, it has been classified as a Variant of Uncertain Significance.

NM_144596.4(TTC8):c.287T>C (p.Leu96Pro)

Gene: TTC8 (tetratricopeptide repeat domain 8; plus strand). Cytogenetic location: 14q31.3.
Variant type: single nucleotide variant.
Coding change: c.287T>C on transcript NM_144596.4 (MANE Select); coding-DNA position 287, T replaced by C.
Protein change: p.Leu96Pro; replaces leucine 96 with proline.
Molecular consequence: missense variant. On other transcripts: 5 prime UTR variant (2), non-coding transcript variant (1).
Genome position (GRCh38, 1-based): chr14:88,840,886, T>C. VCF-style: chr14-88840886-T-C. GRCh37 (hg19) VCF-style: chr14-89307230-T-C.
Other names: c.287T>C (NM_144596.3); c.257T>C, p.Leu86Pro (NM_001288781.1, NM_001366535.2, NM_001366536.2 and 2 more transcripts); c.-306T>C (NM_001288782.1); c.-401T>C (NM_001288783.1); short protein forms L86P, L96P.
Identifiers: ClinVar variation 3700317 (VCV003700317.3).